The following is an entry in ClinVar:

NM_000088.4(COL1A1):c.3531+1G>C

Gene: COL1A1 (collagen type I alpha 1 chain; minus strand). Cytogenetic location: 17q21.33.
Variant type: single nucleotide variant.
Coding change: c.3531+1G>C on transcript NM_000088.4 (MANE Select); the canonical splice donor site of the intron after coding-DNA position 3531, G replaced by C.
Molecular consequence: splice donor variant.
Genome position (GRCh38, 1-based): chr17:50,187,014, C>G on the plus strand (G>C on the coding strand, the complement: COL1A1 is on the minus strand). VCF-style: chr17-50187014-C-G. GRCh37 (hg19) VCF-style: chr17-48264375-C-G.
Identifiers: ClinVar variation 1070189 (VCV001070189.9), dbSNP rs72656326, ClinGen allele CA400198471.

ClinVar aggregate classification (germline): Pathogenic (1 of 4 stars; one submission).

Conditions:
Osteogenesis imperfecta type I (OI1). Also called: OI, TYPE I; OSTEOGENESIS IMPERFECTA TARDA; OSTEOGENESIS IMPERFECTA WITH BLUE SCLERAE; Lobstein disease; Osteogenesis imperfecta type 1; Lobstein's Disease. Identifiers: Orphanet 216796, Orphanet 666, MedGen C0023931, MONDO:0008146, OMIM 166200. Disease mechanism: loss of function.

Submission:

Labcorp Genetics (formerly Invitae), Labcorp
Classification: Pathogenic for Osteogenesis imperfecta type I. Last evaluated: 2020-07-27. Review status: criteria provided, single submitter. Criteria: Invitae Variant Classification Sherloc (09022015). Collection method: clinical testing. Allele origin: germline.
Comment: For these reasons, this variant has been classified as Pathogenic. Disruption of this splice site has been observed in individual(s) with osteogenesis imperfecta (PMID: 27509835, 30715774). Algorithms developed to predict the effect of sequence changes on RNA splicing suggest that this variant may disrupt the consensus splice site, but this prediction has not been confirmed by published transcriptional studies. Donor and acceptor splice site variants typically lead to a loss of protein function (PMID: 16199547), and loss-of-function variants in COL1A1 are known to be pathogenic (PMID: 7942841, 9295084, 9443882). This sequence change affects a donor splice site in intron 47 of the COL1A1 gene. It is expected to disrupt RNA splicing and likely results in an absent or disrupted protein product. This variant is not present in population databases (ExAC no frequency).

Literature cited by the submitters: PubMed 27509835; PubMed 30715774; PubMed 16199547; PubMed 7942841; PubMed 9295084; PubMed 9443882.